The following is an entry in ClinVar:

NM_001349253.2(SCN11A):c.618-5_618-4insCCCTGTGCTTTGTCTTTTTTTTTTTTTTTTTTTTTTNNNNNNNNNNGTCTCGATGTCTTGCGCTCGTGATCCGCCCGCCTCGGCCTCTCTAGGTGCTGGGAGTACAGGCGTGAGCCACCGCGCCCGGCC

Gene: SCN11A (sodium voltage-gated channel alpha subunit 11; minus strand). Cytogenetic location: 3p22.2.
Variant type: Insertion.
Coding change: c.618-5_618-4insCCCTGTGCTTTGTCTTTTTTTTTTTTTTTTTTTTTTNNNNNNNNNNGTCTCGATGTCTTGCGCTCGTGATCCGCCCGCCTCGGCCTCTCTAGGTGCTGGGAGTACAGGCGTGAGCCACCGCGCCCGGCC on transcript NM_001349253.2 (MANE Select); 5 bases into the intron before coding-DNA position 618 through 4 bases into the intron before coding-DNA position 618, CCCTGTGCTTTGTCTTTTTTTTTTTTTTTTTTTTTTNNNNNNNNNNGTCTCGATGTCTTGCGCTCGTGATCCGCCCGCCTCGGCCTCTCTAGGTGCTGGGAGTACAGGCGTGAGCCACCGCGCCCGGCC inserted.
Molecular consequence: intron variant.
Genome position: GRCh38: chr3:38,925,529-38,925,530. GRCh37 (hg19): chr3:38,967,020-38,967,021.
Other names: c.618-5_618-4insCCCTGTGCTTTGTCTTTTTTTTTTTTTTTTTTTTTTNNNNNNNNNNGTCTCGATGTCTTGCGCTCGTGATCCGCCCGCCTCGGCCTCTCTAGGTGCTGGGAGTACAGGCGTGAGCCACCGCGCCCGGCC (NM_014139.3).
Identifiers: ClinVar variation 2942570 (VCV002942570.3), dbSNP rs2470642303.

ClinVar aggregate classification (germline): Uncertain significance (1 of 4 stars; one submission).

Conditions:
Hereditary sensory and autonomic neuropathy type 7. Also called: Neuropathy, hereditary sensory and autonomic, type VII; HSAN VII. Identifiers: Orphanet 391397, MedGen C3809882, MONDO:0014244, OMIM 615548.
Familial episodic pain syndrome with predominantly lower limb involvement. Also called: Episodic pain syndrome, familial, 3. Identifiers: Orphanet 391384, Orphanet 391392, MedGen C3809899, MONDO:0014247, OMIM 615552.

Submission:

Labcorp Genetics (formerly Invitae), Labcorp
Classification: Uncertain significance for Familial episodic pain syndrome with predominantly lower limb involvement; Hereditary sensory and autonomic neuropathy type 7. Last evaluated: 2022-12-21. Review status: criteria provided, single submitter. Criteria: Invitae Variant Classification Sherloc (09022015). Collection method: clinical testing. Allele origin: germline.
Comment: In summary, the available evidence is currently insufficient to determine the role of this variant in disease. Therefore, it has been classified as a Variant of Uncertain Significance. This sequence change falls in intron 4 of the SCN11A gene. It does not directly change the encoded amino acid sequence of the SCN11A protein. This variant is not present in population databases (gnomAD no frequency). This variant has not been reported in the literature in individuals affected with SCN11A-related conditions. Algorithms developed to predict the effect of sequence changes on RNA splicing suggest that this variant may disrupt the consensus splice site.